The following is an entry in ClinVar:

ClinVar aggregate classification (germline): Uncertain significance (0 of 4 stars; one submission).

Conditions:
CEP290-related disorder. Also called: CEP290-related condition; CEP290-related disorders. Identifiers: MedGen CN239314.

Submission:

PreventionGenetics, part of Exact Sciences
Classification: Uncertain significance for CEP290-related condition. Last evaluated: 2023-10-25. Review status: no assertion criteria provided. Collection method: clinical testing. Allele origin: germline.
Comment: The CEP290 c.3095C>A variant is predicted to result in the amino acid substitution p.Thr1032Asn. To our knowledge, this variant has not been reported in the literature or in a large population database, indicating this variant is rare. At this time, the clinical significance of this variant is uncertain due to the absence of conclusive functional and genetic evidence.

NM_025114.4(CEP290):c.3095C>A (p.Thr1032Asn)

Gene: CEP290 (centrosomal protein 290; minus strand). Cytogenetic location: 12q21.32.
Variant type: single nucleotide variant.
Coding change: c.3095C>A on transcript NM_025114.4 (MANE Select); coding-DNA position 3095, C replaced by A.
Protein change: p.Thr1032Asn; replaces threonine 1032 with asparagine.
Molecular consequence: missense variant.
Genome position (GRCh38, 1-based): chr12:88,096,896, G>T on the plus strand (C>A on the coding strand, the complement: CEP290 is on the minus strand). VCF-style: chr12-88096896-G-T. GRCh37 (hg19) VCF-style: chr12-88490673-G-T.
Other names: short protein forms T1032N.
Identifiers: ClinVar variation 3348170 (VCV003348170.1).